The following is an entry in ClinVar:

NM_001349253.2(SCN11A):c.1587C>T (p.Leu529=)

Gene: SCN11A (sodium voltage-gated channel alpha subunit 11; minus strand). Cytogenetic location: 3p22.2.
Variant type: single nucleotide variant.
Coding change: c.1587C>T on transcript NM_001349253.2 (MANE Select); coding-DNA position 1587, C replaced by T.
Protein change: p.Leu529=; no amino-acid change (leucine 529 retained).
Molecular consequence: synonymous variant.
Genome position (GRCh38, 1-based): chr3:38,905,208, G>A on the plus strand (C>T on the coding strand, the complement: SCN11A is on the minus strand). VCF-style: chr3-38905208-G-A. GRCh37 (hg19) VCF-style: chr3-38946699-G-A.
Other names: c.1587C>T, p.Leu529= (NM_014139.3).
Identifiers: ClinVar variation 4537362 (VCV004537362.1).

ClinVar aggregate classification (germline): Uncertain significance (1 of 4 stars; one submission).

Conditions:
Hereditary sensory and autonomic neuropathy type 7. Also called: HSAN VII; Neuropathy, hereditary sensory and autonomic, type VII. Identifiers: Orphanet 391397, MedGen C3809882, MONDO:0014244, OMIM 615548.
Familial episodic pain syndrome with predominantly lower limb involvement. Also called: Episodic pain syndrome, familial, 3. Identifiers: Orphanet 391384, Orphanet 391392, MedGen C3809899, MONDO:0014247, OMIM 615552.

Submission:

Genetics Department, Catlab
Classification: Uncertain significance for Hereditary sensory and autonomic neuropathy type 7; Familial episodic pain syndrome with predominantly lower limb involvement. Last evaluated: 2025-07-15. Review status: criteria provided, single submitter. Criteria: ACMG Guidelines, 2015. Collection method: clinical testing. Allele origin: germline. Affected: yes. Observed: 1 variant allele.
Comment: The c.1587C>T variant is a synonymous variant that changes a cytosine for timine at c.1587. The variant is absent from gnomAD v4.1 (PM2_moderate) and several computational tools predict an alteration of the splicing site, with the creation of a putative acceptor site according to Human Splicing Finder (PP3_supporting). With all the available evidence, the variant is classified as of uncertain significance.